The following is an entry in ClinVar:

ClinVar aggregate classification (germline): Uncertain significance (1 of 4 stars; one submission).

gnomAD v4.1: 1 of 1,606,912 alleles (0.000062%); highest among the groups gnomAD compares: Non-Finnish European, 0.000085%; no homozygotes.

Submission:

GeneDx
Classification: Uncertain significance. Last evaluated: 2025-03-20. Review status: criteria provided, single submitter. Criteria: GeneDx Variant Classification Process June 2021. Collection method: clinical testing. Allele origin: germline. Affected: yes.
Comment: Not observed at significant frequency in large population cohorts (gnomAD); In silico analysis indicates that this missense variant does not alter protein structure/function; Has not been previously published as pathogenic or benign to our knowledge

NM_181458.4(PAX3):c.22G>C (p.Val8Leu)

Genes: CCDC140 (CCDC140 long non-coding RNA; plus strand), PAX3 (paired box 3; minus strand). Cytogenetic location: 2q36.1.
Variant type: single nucleotide variant.
Coding change: c.22G>C on transcript NM_181458.4 (MANE Select); coding-DNA position 22, G replaced by C.
Protein change: p.Val8Leu; replaces valine 8 with leucine.
Molecular consequence: missense variant.
Genome position (GRCh38, 1-based): chr2:222,298,594, C>G on the plus strand (G>C on the coding strand, the complement: PAX3 is on the minus strand). VCF-style: chr2-222298594-C-G. GRCh37 (hg19) VCF-style: chr2-223163313-C-G.
Other names: c.22G>C, p.Val8Leu (NM_000438.6, NM_001127366.3, NM_013942.5 and 4 more transcripts); short protein forms V8L.
Identifiers: ClinVar variation 4086754 (VCV004086754.1).
Genomic context (GRCh38, chr2:222,298,594, plus strand): 5'-CCAGCGGGAACCCGCTACGCGGGTAGTTCTGCCCCGGGCCCGGCCGCATCATCCTGGGCA[C>G]AGCGCCGGCCAGCGTGGTCATCCTGGGGGCAGCTTCGCTCGGAAATTATATCCAGGTGAA-3'
Protein context (NP_852123.1, residues 1-18): MTTLAGA[Val8Leu]PRMMRPGPGQ